The following is an entry in ClinVar:

NM_006180.6(NTRK2):c.907A>C (p.Ile303Leu)

Gene: NTRK2 (neurotrophic receptor tyrosine kinase 2; plus strand). Cytogenetic location: 9q21.33.
Variant type: single nucleotide variant.
Coding change: c.907A>C on transcript NM_006180.6 (MANE Select); coding-DNA position 907, A replaced by C.
Protein change: p.Ile303Leu; replaces isoleucine 303 with leucine.
Molecular consequence: missense variant.
Genome position (GRCh38, 1-based): chr9:84,727,707, A>C. VCF-style: chr9-84727707-A-C. GRCh37 (hg19) VCF-style: chr9-87342622-A-C.
Other names: c.907A>C, p.Ile303Leu (NM_001369539.1, NM_001369540.1, NM_001369541.1 and 16 more transcripts); c.868A>C, p.Ile290Leu (NM_001369546.1, NM_001291937.2); c.439A>C, p.Ile147Leu (NM_001369535.1, NM_001369536.1, NM_001369550.1 and 2 more transcripts); short protein forms I147L, I290L, I303L.
Identifiers: ClinVar variation 3346931 (VCV003346931.2).
Genomic context (GRCh38, chr9:84,727,707, plus strand): 5'-AATTTAGTTGCACCAACTATCACATTTCTCGAATCTCCAACCTCAGACCACCACTGGTGC[A>C]TTCCATTCACTGTGAAAGGCAACCCCAAACCAGCGCTTCAGTGGTTCTATAACGGGGCAA-3'
Protein context (NP_006171.2, residues 293-313): ESPTSDHHWC[Ile303Leu]PFTVKGNPKP

ClinVar aggregate classification (germline): Uncertain significance (1 of 4 stars; one submission).

Conditions:
NTRK2-related disorder. Also called: NTRK2-related condition.

gnomAD v4.1: 2 of 1,613,550 alleles (0.00012%); highest among the groups gnomAD compares: Non-Finnish European, 0.00017%; no homozygotes.

Submission:

PreventionGenetics, part of Exact Sciences
Classification: Uncertain significance for NTRK2-related condition. Last evaluated: 2026-07-20. Review status: criteria provided, single submitter. Criteria: ACMG Guidelines, 2015. Collection method: clinical testing. Allele origin: germline.
Comment: The NTRK2 c.907A>C variant is predicted to result in the amino acid substitution p.Ile303Leu. To our knowledge, this variant has not been reported in the literature or in a large population database (gnomAD), indicating this variant is rare. At this time, the clinical significance of this variant is uncertain due to the absence of conclusive functional and genetic evidence.